The following is an entry in ClinVar:

NM_001033855.3(DCLRE1C):c.1101A>G (p.Pro367=)

Gene: DCLRE1C (DNA cross-link repair 1C; minus strand). Cytogenetic location: 10p13.
Variant type: single nucleotide variant.
Coding change: c.1101A>G on transcript NM_001033855.3 (MANE Select); coding-DNA position 1101, A replaced by G.
Protein change: p.Pro367=; no amino-acid change (proline 367 retained).
Molecular consequence: synonymous variant. On other transcripts: non-coding transcript variant (4).
Genome position (GRCh38, 1-based): chr10:14,919,793, T>C on the plus strand (A>G on the coding strand, the complement: DCLRE1C is on the minus strand). VCF-style: chr10-14919793-T-C. GRCh37 (hg19) VCF-style: chr10-14961792-T-C.
Other names: c.741A>G, p.Pro247= (NM_001033857.3, NM_001033858.3, NM_001289077.2 and 2 more transcripts); c.756A>G, p.Pro252= (NM_001289076.2, NM_001289078.2, NM_001350966.2 and 1 more transcripts); c.1101A>G, p.Pro367= (NM_001350965.2).
Identifiers: ClinVar variation 286957 (VCV000286957.44), dbSNP rs143782439, ClinGen allele CA5416547.

ClinVar aggregate classification (germline): Conflicting classifications of pathogenicity. Review status: criteria provided, conflicting classifications (1 of 4 stars). 8 submissions from 8 submitters: Uncertain significance (2); Likely benign (5). 1 of the submissions does not count toward it. Last evaluated 2026-03-31.

Conditions:
Histiocytic medullary reticulosis. Also called: SEVERE COMBINED IMMUNODEFICIENCY WITH HYPEREOSINOPHILIA; Omenn syndrome. Identifiers: Orphanet 39041, MedGen C2700553, MONDO:0011338, OMIM 603554.
Severe combined immunodeficiency due to DCLRE1C deficiency (RS-SCID). Also called: SCID, AUTOSOMAL RECESSIVE, T CELL-NEGATIVE, B CELL-NEGATIVE, NK CELL-POSITIVE, WITH SENSITIVITY TO IONIZING RADIATION. Identifiers: Orphanet 275, MedGen C1865371, MONDO:0011225, OMIM 602450.

Allele frequency attached by ClinVar (database versions not stated): 1000 Genomes Project 0.00060; 1000 Genomes Project 30x 0.00062; gnomAD 0.00083 and 0.00085; TOPMed 0.00095; gnomAD exomes 0.00096 and 0.00122; ExAC 0.00100; ESP Exome Variant Server 0.00138.
gnomAD v4.1: 1,885 of 1,614,096 alleles (0.12%); highest among the groups gnomAD compares: Non-Finnish European, 0.15%; 3 homozygotes.

Submissions (8):

Women's Health and Genetics/Laboratory Corporation of America, LabCorp
Classification: Likely benign. Last evaluated: 2026-03-31. Review status: criteria provided, single submitter. Criteria: LabCorp Variant Classification Summary - May 2015. Collection method: clinical testing. Allele origin: germline.

CeGaT Center for Human Genetics Tuebingen
Classification: Likely benign. Last evaluated: 2026-02-01. Review status: criteria provided, single submitter. Criteria: CeGaT Center For Human Genetics Tuebingen Variant Classification Criteria Version 2. Collection method: clinical testing. Allele origin: germline. Affected: yes. Observed: 4 variant alleles.
Comment: DCLRE1C: BP4, BP7

Labcorp Genetics (formerly Invitae), Labcorp
Classification: Likely benign for Athabaskan severe combined immunodeficiency. Last evaluated: 2026-02-01. Review status: criteria provided, single submitter. Criteria: Invitae Variant Classification Sherloc (09022015). Collection method: clinical testing. Allele origin: germline.

Blueprint Genetics
Classification: Likely benign. Last evaluated: 2024-11-07. Review status: criteria provided, single submitter. Criteria: ACMG Guidelines, 2015. Collection method: clinical testing. Allele origin: germline.

ARUP Laboratories, Molecular Genetics and Genomics, ARUP Laboratories
Classification: Likely benign. Last evaluated: 2024-08-23. Review status: criteria provided, single submitter. Criteria: ARUP Molecular Germline Variant Investigation Process 2024. Collection method: clinical testing. Allele origin: germline.

Illumina Laboratory Services, Illumina
Classification: Uncertain significance for Histiocytic medullary reticulosis. Last evaluated: 2018-01-13. Review status: criteria provided, single submitter. Criteria: ICSL Variant Classification Criteria 13 December 2019. Collection method: clinical testing. Allele origin: germline.

Eurofins Ntd Llc (ga)
Classification: Uncertain significance. Last evaluated: 2016-04-01. Review status: criteria provided, single submitter. Criteria: EGL Classification Definitions 2015. Collection method: clinical testing. Allele origin: germline. Observed: 1 variant allele, 1 heterozygote.

Natera, Inc.
Classification: Likely benign for Omenn syndrome. Last evaluated: 2020-09-16. Review status: no assertion criteria provided. Collection method: clinical testing. Allele origin: germline. Not counted in ClinVar's aggregate classification.